The following is an entry in ClinVar:

ClinVar aggregate classification (germline): Uncertain significance (1 of 4 stars; one submission).

Allele frequency attached by ClinVar (database versions not stated): gnomAD exomes 0.00002; gnomAD 0.00005; TOPMed 0.00005; ExAC 0.00008; 1000 Genomes Project 30x 0.00016; 1000 Genomes Project 0.00020.
gnomAD v4.1: 37 of 1,613,580 alleles (0.0023%); highest among the groups gnomAD compares: East Asian, 0.078%; no homozygotes.

Submission:

Labcorp Genetics (formerly Invitae), Labcorp
Classification: Uncertain significance. Last evaluated: 2022-07-18. Review status: criteria provided, single submitter. Criteria: Invitae Variant Classification Sherloc (09022015). Collection method: clinical testing. Allele origin: germline.
Comment: This sequence change replaces alanine, which is neutral and non-polar, with serine, which is neutral and polar, at codon 2317 of the VPS13C protein (p.Ala2317Ser). This variant is present in population databases (rs115472982, gnomAD 0.1%). This variant has not been reported in the literature in individuals affected with VPS13C-related conditions. Algorithms developed to predict the effect of missense changes on protein structure and function (SIFT, PolyPhen-2, Align-GVGD) all suggest that this variant is likely to be tolerated. In summary, the available evidence is currently insufficient to determine the role of this variant in disease. Therefore, it has been classified as a Variant of Uncertain Significance.

NM_020821.3(VPS13C):c.6949G>T (p.Ala2317Ser)

Gene: VPS13C (vacuolar protein sorting 13 homolog C; minus strand). Cytogenetic location: 15q22.2.
Variant type: single nucleotide variant.
Coding change: c.6949G>T on transcript NM_020821.3 (MANE Select); coding-DNA position 6949, G replaced by T.
Protein change: p.Ala2317Ser; replaces alanine 2317 with serine.
Molecular consequence: missense variant.
Genome position (GRCh38, 1-based): chr15:61,922,423, C>A on the plus strand (G>T on the coding strand, the complement: VPS13C is on the minus strand). VCF-style: chr15-61922423-C-A. GRCh37 (hg19) VCF-style: chr15-62214622-C-A.
Other names: c.6949G>T, p.Ala2317Ser (NM_001018088.3); c.6820G>T, p.Ala2274Ser (NM_017684.5, NM_018080.4); short protein forms A2274S, A2317S.
Identifiers: ClinVar variation 2143506 (VCV002143506.4), dbSNP rs115472982, ClinGen allele CA7595424.